The following is an entry in ClinVar:

ClinVar aggregate classification (germline): Pathogenic (1 of 4 stars; one submission).

Conditions:
Hereditary cancer-predisposing syndrome. Also called: Tumor predisposition; Neoplastic Syndromes, Hereditary; Hereditary neoplastic syndrome; Hereditary Cancer Syndrome. Identifiers: Orphanet 140162, MedGen C0027672, MeSH D009386, MONDO:0015356.

Submission:

Color Diagnostics, LLC DBA Color Health
Classification: Pathogenic for Hereditary cancer-predisposing syndrome. Last evaluated: 2020-04-20. Review status: criteria provided, single submitter. Criteria: ACMG Guidelines, 2015. Collection method: clinical testing. Allele origin: germline.
Comment: This variant changes 1 nucleotide in exon 4 of the BARD1 gene, creating a premature translation stop signal. This variant is expected to result in an absent or non-functional protein product. To our knowledge, this variant has not been reported in individuals affected with hereditary cancer in the literature. This variant has not been identified in the general population by the Genome Aggregation Database (gnomAD). Loss of BARD1 function is a known mechanism of disease. Based on the available evidence, this variant is classified as Pathogenic.

NM_000465.4(BARD1):c.904A>T (p.Lys302Ter)

Gene: BARD1 (BRCA1 associated RING domain 1; minus strand). Cytogenetic location: 2q35.
Variant type: single nucleotide variant.
Coding change: c.904A>T on transcript NM_000465.4 (MANE Select); coding-DNA position 904, A replaced by T.
Protein change: p.Lys302Ter; replaces lysine 302 with a stop codon.
Molecular consequence: nonsense. On other transcripts: non-coding transcript variant (2), intron variant (3).
Genome position (GRCh38, 1-based): chr2:214,780,970, T>A on the plus strand (A>T on the coding strand, the complement: BARD1 is on the minus strand). VCF-style: chr2-214780970-T-A. GRCh37 (hg19) VCF-style: chr2-215645694-T-A.
Other names: c.847A>T, p.Lys283Ter (NM_001282543.2); c.159-28415A>T (NM_001282548.2); c.215+16091A>T (NM_001282545.2); c.364+11327A>T (NM_001282549.2); short protein forms K302*, K283*.
Identifiers: ClinVar variation 630993 (VCV000630993.4), dbSNP rs1559424634, ClinGen allele CA350455111.
Genomic context (GRCh38, chr2:214,780,970, plus strand): 5'-GTTTTCCATTATTTTCTAATGGCAAAGATTTCTTAGATGTAAGATAATTTTTGCAGACCT[T>A]CTCAGGAGTCACTACTTCATTCCTGCTCTTAGTGTCTGGAGACTCTATTTGCTCAGCCAA-3'